The following is an entry in ClinVar:

NM_001004127.3(ALG11):c.940A>G (p.Asn314Asp)

Gene: ALG11 (ALG11 alpha-1,2-mannosyltransferase; plus strand). Cytogenetic location: 13q14.3.
Variant type: single nucleotide variant.
Coding change: c.940A>G on transcript NM_001004127.3 (MANE Select); coding-DNA position 940, A replaced by G.
Protein change: p.Asn314Asp; replaces asparagine 314 with aspartic acid.
Molecular consequence: missense variant.
Genome position (GRCh38, 1-based): chr13:52,024,670, A>G. VCF-style: chr13-52024670-A-G. GRCh37 (hg19) VCF-style: chr13-52598806-A-G.
Other names: short protein forms N314D.
Identifiers: ClinVar variation 1303352 (VCV001303352.2), dbSNP rs759590601, ClinGen allele CA388017215.

ClinVar aggregate classification (germline): Uncertain significance (1 of 4 stars; one submission).

Allele frequency attached by ClinVar (database versions not stated): TOPMed 0.00001.
gnomAD v4.1: 1 of 1,614,148 alleles (0.000062%); highest among the groups gnomAD compares: Non-Finnish European, 0.000085%; no homozygotes.

Submission:

GeneDx
Classification: Uncertain significance. Last evaluated: 2019-09-05. Review status: criteria provided, single submitter. Criteria: GeneDx Variant Classification Process June 2021. Collection method: clinical testing. Allele origin: germline. Affected: yes.
Comment: Has not been previously published as pathogenic or benign to our knowledge; Not observed in large population cohorts (Lek et al., 2016); In silico analysis, which includes protein predictors and evolutionary conservation, supports that this variant does not alter protein structure/function